The following is an entry in ClinVar:

NM_033641.4(COL4A6):c.1855G>A (p.Gly619Arg)

Gene: COL4A6 (collagen type IV alpha 6 chain; minus strand). Cytogenetic location: Xq22.3.
Variant type: single nucleotide variant.
Coding change: c.1855G>A on transcript NM_033641.4 (MANE Select); coding-DNA position 1855, G replaced by A.
Protein change: p.Gly619Arg; replaces glycine 619 with arginine.
Molecular consequence: missense variant.
Genome position (GRCh38, 1-based): chrX:108,187,192, C>T on the plus strand (G>A on the coding strand, the complement: COL4A6 is on the minus strand). VCF-style: chrX-108187192-C-T. GRCh37 (hg19) VCF-style: chrX-107430422-C-T.
Other names: c.1855G>A, p.Gly619Arg (NM_001287758.2, NM_001287759.2, NM_001287760.2 and 1 more transcripts); c.1858G>A, p.Gly620Arg (NM_001440759.1, NM_001847.4); short protein forms G619R, G620R.
Identifiers: ClinVar variation 4655634 (VCV004655634.2).

ClinVar aggregate classification (germline): Uncertain significance. Review status: criteria provided, multiple submitters, no conflicts (2 of 4 stars). 2 submissions from 2 submitters: Uncertain significance (2). Last evaluated 2025-10-03.

gnomAD v4.1: 14 of 1,194,958 alleles (0.0012%); highest among the groups gnomAD compares: South Asian, 0.026%; no homozygotes.

Submissions (2):

Ambry Genetics
Classification: Uncertain significance. Last evaluated: 2025-10-03. Review status: criteria provided, single submitter. Criteria: Ambry Variant Classification Scheme 2023. Collection method: clinical testing. Allele origin: germline.
Comment: The c.1858G>A (p.G620R) alteration is located in exon 23 (coding exon 23) of the COL4A6 gene. This alteration results from a G to A substitution at nucleotide position 1858, causing the glycine (G) at amino acid position 620 to be replaced by an arginine (R). Based on data from gnomAD, the A allele has an overall frequency of 0.001% (1/175022) total alleles studied. The highest observed frequency was 0.006% (1/17313) of South Asian alleles. Based on insufficient or conflicting evidence, the clinical significance of this alteration remains unclear.

Labcorp Genetics (formerly Invitae), Labcorp
Classification: Uncertain significance. Last evaluated: 2025-03-03. Review status: criteria provided, single submitter. Criteria: Invitae Variant Classification Sherloc (09022015). Collection method: clinical testing. Allele origin: germline.
Comment: This sequence change replaces glycine, which is neutral and non-polar, with arginine, which is basic and polar, at codon 620 of the COL4A6 protein (p.Gly620Arg). This variant is present in population databases (rs751407114, gnomAD 0.006%). This variant has not been reported in the literature in individuals affected with COL4A6-related conditions. Invitae Evidence Modeling of protein sequence and biophysical properties (such as structural, functional, and spatial information, amino acid conservation, physicochemical variation, residue mobility, and thermodynamic stability) has been performed for this missense variant. However, the output from this modeling did not meet the statistical confidence thresholds required to predict the impact of this variant on COL4A6 protein function. In summary, the available evidence is currently insufficient to determine the role of this variant in disease. Therefore, it has been classified as a Variant of Uncertain Significance.